The following is an entry in ClinVar:

NM_001040716.2(PC):c.1471C>T (p.Arg491Trp)

Gene: PC (pyruvate carboxylase; minus strand). Cytogenetic location: 11q13.2.
Variant type: single nucleotide variant.
Coding change: c.1471C>T on transcript NM_001040716.2 (MANE Select); coding-DNA position 1471, C replaced by T.
Protein change: p.Arg491Trp; replaces arginine 491 with tryptophan.
Molecular consequence: missense variant.
Genome position (GRCh38, 1-based): chr11:66,853,281, G>A on the plus strand (C>T on the coding strand, the complement: PC is on the minus strand). VCF-style: chr11-66853281-G-A. GRCh37 (hg19) VCF-style: chr11-66620752-G-A.
Other names: c.1471C>T, p.Arg491Trp (NM_000920.4, NM_022172.3); short protein forms R491W.
Identifiers: ClinVar variation 1198347 (VCV001198347.5), dbSNP rs1190212614, ClinGen allele CA381496319.

ClinVar aggregate classification (germline): Uncertain significance. Review status: criteria provided, multiple submitters, no conflicts (2 of 4 stars). 2 submissions from 2 submitters: Uncertain significance (2). Last evaluated 2025-12-11.

Conditions:
Pyruvate carboxylase deficiency. Also called: LEIGH NECROTIZING ENCEPHALOPATHY DUE TO PYRUVATE CARBOXYLASE DEFICIENCY; LEIGH SYNDROME DUE TO PYRUVATE CARBOXYLASE DEFICIENCY; PC DEFICIENCY; ATAXIA WITH LACTIC ACIDOSIS II; Pyruvate Carboxylase Deficiency Disease. Identifiers: Orphanet 3008, MedGen C0034341, MONDO:0009949, OMIM 266150.

Allele frequency attached by ClinVar (database versions not stated): gnomAD exomes below 0.00001; gnomAD 0.00001; TOPMed 0.00001.
gnomAD v4.1: 5 of 1,613,974 alleles (0.00031%); highest among the groups gnomAD compares: Non-Finnish European, 0.00042%; no homozygotes.

Submissions (2):

GeneDx
Classification: Uncertain significance. Last evaluated: 2025-12-11. Review status: criteria provided, single submitter. Criteria: GeneDx Variant Classification Process June 2021. Collection method: clinical testing. Allele origin: germline. Affected: yes.
Comment: Not observed at significant frequency in large population cohorts (gnomAD); In silico analysis suggests that this missense variant does not alter protein structure/function; Identified in trans with another variant in the PC gene in siblings with lactic acidosis (PMID: 37207470); This variant is associated with the following publications: (PMID: 37207470)

Labcorp Genetics (formerly Invitae), Labcorp
Classification: Uncertain significance for Pyruvate carboxylase deficiency. Last evaluated: 2024-10-03. Review status: criteria provided, single submitter. Criteria: Invitae Variant Classification Sherloc (09022015). Collection method: clinical testing. Allele origin: germline.
Comment: This sequence change replaces arginine, which is basic and polar, with tryptophan, which is neutral and slightly polar, at codon 491 of the PC protein (p.Arg491Trp). This variant is not present in population databases (gnomAD no frequency). This variant has not been reported in the literature in individuals affected with PC-related conditions. ClinVar contains an entry for this variant (Variation ID: 1198347). Invitae Evidence Modeling of protein sequence and biophysical properties (such as structural, functional, and spatial information, amino acid conservation, physicochemical variation, residue mobility, and thermodynamic stability) indicates that this missense variant is not expected to disrupt PC protein function with a negative predictive value of 95%. In summary, the available evidence is currently insufficient to determine the role of this variant in disease. Therefore, it has been classified as a Variant of Uncertain Significance.